The following is an entry in ClinVar:

NM_000059.4(BRCA2):c.2262A>G (p.Gln754=)

Gene: BRCA2 (BRCA2 DNA repair associated; plus strand). Cytogenetic location: 13q13.1.
Variant type: single nucleotide variant.
Coding change: c.2262A>G on transcript NM_000059.4 (MANE Select); coding-DNA position 2262, A replaced by G.
Protein change: p.Gln754=; no amino-acid change (glutamine 754 retained).
Molecular consequence: synonymous variant.
Genome position (GRCh38, 1-based): chr13:32,336,617, A>G. VCF-style: chr13-32336617-A-G. GRCh37 (hg19) VCF-style: chr13-32910754-A-G.
Identifiers: ClinVar variation 379498 (VCV000379498.24), dbSNP rs1057520621, ClinGen allele CA16606665.

ClinVar aggregate classification (germline): Likely benign. Review status: reviewed by expert panel (3 of 4 stars). 6 submissions from 6 submitters: Likely benign (1). 5 of the submissions do not count toward it. Last evaluated 2017-06-29.

Conditions:
Hereditary cancer-predisposing syndrome. Also called: Hereditary neoplastic syndrome; Tumor predisposition; Neoplastic Syndromes, Hereditary; Hereditary Cancer Syndrome. Identifiers: Orphanet 140162, MedGen C0027672, MeSH D009386, MONDO:0015356.
Hereditary breast ovarian cancer syndrome. Also called: Breast and ovarian cancer; Hereditary breast and ovarian cancer syndrome; Hereditary breast and ovarian cancer; Hereditary breast and/or ovarian cancer syndrome; Hereditary breast and ovarian cancer syndrome (HBOC); BRCA1- and BRCA2-Associated Hereditary Breast and Ovarian Cancer. Identifiers: Orphanet 145, MedGen C0677776, MeSH D061325, MONDO:0003582. Disease mechanism: loss of function.
Breast-ovarian cancer, familial, susceptibility to, 2 (BROVCA2). Also called: BRCA2 Hereditary Breast and Ovarian Cancer. Identifiers: Orphanet 145, MedGen C2675520, MONDO:0012933, OMIM 612555. Disease mechanism: loss of function.

Allele frequency attached by ClinVar (database versions not stated): gnomAD exomes below 0.00001; TOPMed 0.00001.
gnomAD v4.1: 2 of 1,614,110 alleles (0.00012%); highest among the groups gnomAD compares: Non-Finnish European, 0.00017%; no homozygotes.

Submissions (6):

Evidence-based Network for the Interpretation of Germline Mutant Alleles (ENIGMA)
Classification: Likely benign for Breast-ovarian cancer, familial, susceptibility to, 2. Last evaluated: 2017-06-29. Review status: reviewed by expert panel. Criteria: ENIGMA BRCA1/2 Classification Criteria (2017-06-29). Collection method: curation. Allele origin: germline.
Comment: Synonymous substitution variant, with low bioinformatic likelihood to result in a splicing aberration (Splicing prior probability 0.02).

Labcorp Genetics (formerly Invitae), Labcorp
Classification: Likely benign for Hereditary breast ovarian cancer syndrome. Last evaluated: 2025-03-19. Review status: criteria provided, single submitter. Criteria: Invitae Variant Classification Sherloc (09022015). Collection method: clinical testing. Allele origin: germline. Not counted in ClinVar's aggregate classification.

Women's Health and Genetics/Laboratory Corporation of America, LabCorp
Classification: Likely benign. Last evaluated: 2023-04-20. Review status: criteria provided, single submitter. Criteria: LabCorp Variant Classification Summary - May 2015. Collection method: clinical testing. Allele origin: germline. Not counted in ClinVar's aggregate classification.

GeneDx
Classification: Likely benign. Last evaluated: 2018-08-13. Review status: criteria provided, single submitter. Criteria: GeneDx Variant Classification Process June 2021. Collection method: clinical testing. Allele origin: germline. Affected: yes. Not counted in ClinVar's aggregate classification.
Comment: This variant is associated with the following publications: (PMID: 30287823)

Color Diagnostics, LLC DBA Color Health
Classification: Likely benign for Hereditary cancer-predisposing syndrome. Last evaluated: 2018-05-22. Review status: criteria provided, single submitter. Criteria: ACMG Guidelines, 2015. Collection method: clinical testing. Allele origin: germline. Not counted in ClinVar's aggregate classification.

Ambry Genetics
Classification: Likely benign for Hereditary cancer-predisposing syndrome. Last evaluated: 2017-05-18. Review status: criteria provided, single submitter. Criteria: Ambry Variant Classification Scheme 2023. Collection method: clinical testing. Allele origin: germline. Not counted in ClinVar's aggregate classification.